The following is an entry in ClinVar:

ClinVar aggregate classification (germline): Uncertain significance (1 of 4 stars; one submission).

Conditions:
BRCA1-related disorder. Also called: BRCA1-related condition.

Submission:

PreventionGenetics, part of Exact Sciences
Classification: Uncertain significance for BRCA1-related condition. Last evaluated: 2025-01-27. Review status: criteria provided, single submitter. Criteria: ACMG Guidelines, 2015. Collection method: clinical testing. Allele origin: germline.
Comment: The BRCA1 c.1658A>T variant is predicted to result in the amino acid substitution p.His553Leu. To our knowledge, this variant has not been reported in the literature or in a large population database (gnomAD), indicating this variant is rare. This variant occurs within a region of the BRCA1 gene that is predicted to be tolerant to missense variation (Table 2, Dines et al. 2020. PubMed ID: 31911673). At the time of reporting, this variant is not in the ClinVar database. At this time, the clinical significance of this variant is uncertain due to the absence of conclusive functional and genetic evidence.

NM_007294.4(BRCA1):c.1658A>T (p.His553Leu)

Gene: BRCA1 (BRCA1 DNA repair associated; minus strand). Cytogenetic location: 17q21.31.
Variant type: single nucleotide variant.
Coding change: c.1658A>T on transcript NM_007294.4 (MANE Select); coding-DNA position 1658, A replaced by T.
Protein change: p.His553Leu; replaces histidine 553 with leucine.
Molecular consequence: missense variant. On other transcripts: intron variant (137).
Genome position (GRCh38, 1-based): chr17:43,093,873, T>A on the plus strand (A>T on the coding strand, the complement: BRCA1 is on the minus strand). VCF-style: chr17-43093873-T-A. GRCh37 (hg19) VCF-style: chr17-41245890-T-A.
Other names: c.1445A>T, p.His482Leu (NM_001407571.1, NM_001407853.1, NM_001407894.1 and 9 more transcripts); c.1658A>T, p.His553Leu (NM_001407581.1, NM_001407582.1, NM_001407583.1 and 30 more transcripts); c.1655A>T, p.His552Leu (NM_001407587.1, NM_001407590.1, NM_001407591.1 and 22 more transcripts); c.1649A>T, p.His550Leu (NM_001407646.1, NM_001407647.1); c.1535A>T, p.His512Leu (NM_001407648.1, NM_001407664.1, NM_001407665.1 and 19 more transcripts); c.1532A>T, p.His511Leu (NM_001407649.1, NM_001407670.1, NM_001407671.1 and 11 more transcripts); c.1580A>T, p.His527Leu (NM_001407653.1, NM_001407654.1, NM_001407655.1 and 4 more transcripts); c.1577A>T, p.His526Leu (NM_001407659.1, NM_001407660.1, NM_001407661.1 and 1 more transcripts); and 40 more; short protein forms H441L, H482L, H511L, H512L, H257L, H385L, H465L, H486L.
Identifiers: ClinVar variation 4996909 (VCV004996909.1).
Genomic context (GRCh38, chr17:43,093,873, plus strand): 5'-GATTCTATTGGGTTAGGATTTTTCTCATTCTGAATAGAATCACCTTTTGTTTTATTCTCA[T>A]GACCACTATTAGTAATATTCATCACTTGACCATTCTGCTCCGTTTGGTTAGTTCCCTGAT-3'
Protein context (NP_009225.1, residues 543-563): GQVMNITNSG[His553Leu]ENKTKGDSIQ